The following is an entry in ClinVar:

NM_020919.4(ALS2):c.3884C>T (p.Ala1295Val)

Gene: ALS2 (alsin Rho guanine nucleotide exchange factor ALS2; minus strand). Cytogenetic location: 2q33.1.
Variant type: single nucleotide variant.
Coding change: c.3884C>T on transcript NM_020919.4 (MANE Select); coding-DNA position 3884, C replaced by T.
Protein change: p.Ala1295Val; replaces alanine 1295 with valine.
Molecular consequence: missense variant.
Genome position (GRCh38, 1-based): chr2:201,715,792, G>A on the plus strand (C>T on the coding strand, the complement: ALS2 is on the minus strand). VCF-style: chr2-201715792-G-A. GRCh37 (hg19) VCF-style: chr2-202580515-G-A.
Other names: c.3881C>T, p.Ala1294Val (NM_001410975.1); c.3884C>T (NM_020919.3); short protein forms A1294V, A1295V.
Identifiers: ClinVar variation 2146474 (VCV002146474.5), dbSNP rs757260883, ClinGen allele CA2057733.

ClinVar aggregate classification (germline): Uncertain significance. Review status: criteria provided, multiple submitters, no conflicts (2 of 4 stars). 2 submissions from 2 submitters: Uncertain significance (2). Last evaluated 2025-03-18.

Conditions:
Infantile-onset ascending hereditary spastic paralysis (IAHSP). Also called: Infantile-Onset Ascending Hereditary Spastic Paralysis (IAHSP); Autosomal Recessive Juvenile Amyotrophic Lateral Sclerosis. Identifiers: Orphanet 293168, MedGen C2931441, MONDO:0011797, OMIM 607225. Disease mechanism: loss of function.
Inborn genetic diseases. Identifiers: MedGen C0950123, MeSH D030342.

Allele frequency attached by ClinVar (database versions not stated): gnomAD 0.00001; TOPMed 0.00002.
gnomAD v4.1: 19 of 1,614,030 alleles (0.0012%); highest among the groups gnomAD compares: Admixed American, 0.0083%; no homozygotes.

Submissions (2):

Ambry Genetics
Classification: Uncertain significance for Inborn genetic diseases. Last evaluated: 2025-03-18. Review status: criteria provided, single submitter. Criteria: Ambry Variant Classification Scheme 2023. Collection method: clinical testing. Allele origin: germline.

Labcorp Genetics (formerly Invitae), Labcorp
Classification: Uncertain significance for Infantile-onset ascending hereditary spastic paralysis. Last evaluated: 2022-10-17. Review status: criteria provided, single submitter. Criteria: Invitae Variant Classification Sherloc (09022015). Collection method: clinical testing. Allele origin: germline.
Comment: This sequence change replaces alanine, which is neutral and non-polar, with valine, which is neutral and non-polar, at codon 1295 of the ALS2 protein (p.Ala1295Val). This variant is present in population databases (rs757260883, gnomAD 0.01%). This variant has not been reported in the literature in individuals affected with ALS2-related conditions. Advanced modeling of protein sequence and biophysical properties (such as structural, functional, and spatial information, amino acid conservation, physicochemical variation, residue mobility, and thermodynamic stability) performed at Invitae indicates that this missense variant is not expected to disrupt ALS2 protein function. In summary, the available evidence is currently insufficient to determine the role of this variant in disease. Therefore, it has been classified as a Variant of Uncertain Significance.